The following is an entry in ClinVar:

ClinVar aggregate classification (germline): Likely benign (1 of 4 stars; one submission).

Allele frequency attached by ClinVar (database versions not stated): ExAC 0.00001; gnomAD 0.00001; gnomAD exomes 0.00001.
gnomAD v4.1: 10 of 1,601,016 alleles (0.00062%); highest among the groups gnomAD compares: East Asian, 0.0092%; no homozygotes.

Submission:

CeGaT Center for Human Genetics Tuebingen
Classification: Likely benign. Last evaluated: 2023-04-01. Review status: criteria provided, single submitter. Criteria: CeGaT Center For Human Genetics Tuebingen Variant Classification Criteria Version 2. Collection method: clinical testing. Allele origin: germline. Affected: yes. Observed: 1 variant allele.
Comment: TAF15: BP4, BP7

NM_139215.3(TAF15):c.1399A>C (p.Arg467=)

Gene: TAF15 (TATA-box binding protein associated factor 15; plus strand). Cytogenetic location: 17q12.
Variant type: single nucleotide variant.
Coding change: c.1399A>C on transcript NM_139215.3 (MANE Select); coding-DNA position 1399, A replaced by C.
Protein change: p.Arg467=; no amino-acid change (arginine 467 retained).
Molecular consequence: synonymous variant.
Genome position (GRCh38, 1-based): chr17:35,844,698, A>C. VCF-style: chr17-35844698-A-C. GRCh37 (hg19) VCF-style: chr17-34171702-A-C.
Other names: c.1390A>C, p.Arg464= (NM_003487.4).
Identifiers: ClinVar variation 2647678 (VCV002647678.24), dbSNP rs1400873591, ClinGen allele CA728397407.